The following is an entry in ClinVar:

NM_004963.4(GUCY2C):c.2226del (p.Thr743fs)

Gene: GUCY2C (guanylate cyclase 2C; minus strand). Cytogenetic location: 12p12.3.
Variant type: Deletion.
Coding change: c.2226del on transcript NM_004963.4 (MANE Select); coding-DNA position 2226, one base deleted (G; older notation c.2226delG).
Protein change: p.Thr743fs; shifts the reading frame from threonine 743.
Molecular consequence: frameshift variant.
Genome position (GRCh38, 1-based): chr12:14,628,669, C deleted on the plus strand (G on the coding strand, the reverse complement: GUCY2C is on the minus strand). VCF-style (leftmost placement, unchanged base first): chr12-14628668-TC-T. GRCh37 (hg19) VCF-style: chr12-14781602-TC-T.
Other names: short protein forms T743fs.
Identifiers: ClinVar variation 1901330 (VCV001901330.5), dbSNP rs1206600754, ClinGen allele CA685791451.

ClinVar aggregate classification (germline): Uncertain significance (1 of 4 stars; one submission).

Allele frequency attached by ClinVar (database versions not stated): gnomAD exomes below 0.00001; TOPMed 0.00001.

Submission:

Labcorp Genetics (formerly Invitae), Labcorp
Classification: Uncertain significance. Last evaluated: 2022-09-14. Review status: criteria provided, single submitter. Criteria: Invitae Variant Classification Sherloc (09022015). Collection method: clinical testing. Allele origin: germline.
Comment: This variant has not been reported in the literature in individuals affected with GUCY2C-related conditions. In summary, the available evidence is currently insufficient to determine the role of this variant in disease. Therefore, it has been classified as a Variant of Uncertain Significance. This variant is not present in population databases (gnomAD no frequency). This sequence change creates a premature translational stop signal (p.Thr743Leufs*22) in the GUCY2C gene. It is expected to result in an absent or disrupted protein product. However, the current clinical and genetic evidence is not sufficient to establish whether loss-of-function variants in GUCY2C cause disease.